The following is an entry in ClinVar:

ClinVar aggregate classification (germline): Uncertain significance (1 of 4 stars; one submission).

Conditions:
Intellectual developmental disorder with dysmorphic facies and ptosis (IDDDFP). Identifiers: Orphanet 698090, MedGen C4310617, MONDO:0015022, OMIM 617333.

Submission:

Baylor Genetics
Classification: Uncertain significance for Intellectual developmental disorder with dysmorphic facies and ptosis. Last evaluated: 2018-12-04. Review status: criteria provided, single submitter. Criteria: ACMG Guidelines, 2015. Collection method: clinical testing. Allele origin: paternal. Affected: yes.
Comment: This variant was determined to be of uncertain significance according to ACMG Guidelines, 2015 [PMID:25741868].

NM_001003694.2(BRPF1):c.227C>T (p.Pro76Leu)

Gene: BRPF1 (bromodomain and PHD finger containing 1; plus strand). Cytogenetic location: 3p25.3.
Variant type: single nucleotide variant.
Coding change: c.227C>T on transcript NM_001003694.2 (MANE Select); coding-DNA position 227, C replaced by T.
Protein change: p.Pro76Leu; replaces proline 76 with leucine.
Molecular consequence: missense variant. On other transcripts: non-coding transcript variant (1).
Genome position (GRCh38, 1-based): chr3:9,734,367, C>T. VCF-style: chr3-9734367-C-T. GRCh37 (hg19) VCF-style: chr3-9776051-C-T.
Other names: c.227C>T, p.Pro76Leu (NM_001319049.2, NM_001319050.2, NM_004634.3); short protein forms P76L.
Identifiers: ClinVar variation 1031689 (VCV001031689.1), dbSNP rs2076904563, ClinGen allele CA351679521.
Genomic context (GRCh38, chr3:9,734,367, plus strand): 5'-CTCCACTCCGCAAGCACAAGAAAAAGGGGCGCCAGTCACGCCCAGCCAACAAGCAGTCAC[C>T]CAGCCCCTCAGAGGTCTCACAGTCACCAGGCCGTGAGGTGATGAGCTATGCACAGGCCCA-3'
Protein context (NP_001003694.1, residues 66-86): RQSRPANKQS[Pro76Leu]SPSEVSQSPG